The following is an entry in ClinVar:

ClinVar aggregate classification (germline): Conflicting classifications of pathogenicity. Review status: criteria provided, conflicting classifications (1 of 4 stars). 4 submissions from 4 submitters: Uncertain significance (2); Benign (1); Likely benign (1). Last evaluated 2024-07-15.

Conditions:
Cardiovascular phenotype. Identifiers: MedGen CN230736.
Familial hypobetalipoproteinemia 1. Also called: Hypobetalipoproteinemia, normotriglyceridemic; Acanthocytosis with hypobetalipoproteinemia; APOB-Related Familial Hypobetalipoproteinemia. Identifiers: MedGen C4551990, MONDO:0014252, OMIM 615558.
Hypercholesterolemia, autosomal dominant, type B (FHCL2). Also called: HYPERCHOLESTEROLEMIA, FAMILIAL, DUE TO LIGAND-DEFECTIVE APOLIPOPROTEIN B; Hyperlipoproteinemia Type IIb; Familial Hypercholesterolemia Type B; Familial hypercholesterolemia 2; APOB-Related Familial Hypercholesterolemia, Autosomal Dominant; APOLIPOPROTEIN B-100, FAMILIAL DEFECTIVE. Identifiers: MedGen C1704417, MONDO:0007751, OMIM 144010.
Hypercholesterolemia, familial, 1. Also called: HYPERCHOLESTEROLEMIA, FAMILIAL, MODIFIER OF; LDL RECEPTOR DISORDER; Hyperlipoproteinemia Type IIa; HYPER-LOW-DENSITY-LIPOPROTEINEMIA; HYPERCHOLESTEROLEMIC XANTHOMATOSIS, FAMILIAL; Fredrickson type IIa hyperlipoproteinemia. Identifiers: Orphanet 391665, MedGen C0745103, MONDO:0007750, OMIM 143890.

Allele frequency attached by ClinVar (database versions not stated): gnomAD exomes 0.00001 and 0.00002; TOPMed 0.00001; ExAC 0.00002; ESP Exome Variant Server 0.00008.

Submissions (4):

Ambry Genetics
Classification: Uncertain significance for Cardiovascular phenotype. Last evaluated: 2024-07-15. Review status: criteria provided, single submitter. Criteria: Ambry Variant Classification Scheme 2023. Collection method: clinical testing. Allele origin: germline.
Comment: The p.S3346I variant (also known as c.10037G>T), located in coding exon 26 of the APOB gene, results from a G to T substitution at nucleotide position 10037. The serine at codon 3346 is replaced by isoleucine, an amino acid with dissimilar properties. This variant has been reported in a myocardial infarction cohort (Br&aelig;nne I et al. Eur J Hum Genet, 2016 Feb;24:191-7). This amino acid position is not well conserved in available vertebrate species. In addition, this alteration is predicted to be tolerated by in silico analysis. Based on the available evidence, the clinical significance of this variant remains unclear.

Labcorp Genetics (formerly Invitae), Labcorp
Classification: Benign for Familial hypobetalipoproteinemia 1; Hypercholesterolemia, autosomal dominant, type B. Last evaluated: 2024-03-26. Review status: criteria provided, single submitter. Criteria: Invitae Variant Classification Sherloc (09022015). Collection method: clinical testing. Allele origin: germline.

GeneDx
Classification: Uncertain significance. Last evaluated: 2021-01-22. Review status: criteria provided, single submitter. Criteria: GeneDx Variant Classification Process June 2021. Collection method: clinical testing. Allele origin: germline. Affected: yes.
Comment: Not observed at a significant frequency in large population cohorts (Lek et al., 2016); In silico analysis supports that this missense variant has a deleterious effect on protein structure/function; This variant is associated with the following publications: (PMID: 26036859)

Institute for Integrative and Experimental Genomics, University of Luebeck
Classification: Likely benign for Familial Hypercholesterolemia. Review status: criteria provided, single submitter. Criteria: Submitter's publication. Collection method: research. Allele origin: germline. Inheritance: Autosomal dominant inheritance. Affected: no.

Literature cited by the submitters: PubMed 26036859 (cited by Ambry Genetics).

NM_000384.3(APOB):c.10037G>T (p.Ser3346Ile)

Gene: APOB (apolipoprotein B; minus strand). Cytogenetic location: 2p24.1.
Variant type: single nucleotide variant.
Coding change: c.10037G>T on transcript NM_000384.3 (MANE Select); coding-DNA position 10037, G replaced by T.
Protein change: p.Ser3346Ile; replaces serine 3346 with isoleucine.
Molecular consequence: missense variant.
Genome position (GRCh38, 1-based): chr2:21,006,831, C>A on the plus strand (G>T on the coding strand, the complement: APOB is on the minus strand). VCF-style: chr2-21006831-C-A. GRCh37 (hg19) VCF-style: chr2-21229703-C-A.
Other names: short protein forms S3346I.
Identifiers: ClinVar variation 189299 (VCV000189299.15), dbSNP rs373190270, ClinGen allele CA022734.